The following is an entry in ClinVar:

ClinVar aggregate classification (germline): Benign. Review status: criteria provided, multiple submitters, no conflicts (2 of 4 stars). 5 submissions from 5 submitters: Benign (5). Last evaluated 2026-02-04.

Conditions:
Agammaglobulinemia 5, autosomal dominant (AGM5). Also called: AGAMMAGLOBULINEMIA, AUTOSOMAL DOMINANT, DUE TO LRRC8A DEFECT. Identifiers: MedGen C3150753, MONDO:0013290, OMIM 613506.

Allele frequency attached by ClinVar (database versions not stated): gnomAD exomes 0.19000 and 0.19721; ExAC 0.20570; gnomAD 0.23997 and 0.24050; TOPMed 0.24948; ESP Exome Variant Server 0.25611; 1000 Genomes Project 0.26438; 1000 Genomes Project 30x 0.26624.

Submissions (5):

Labcorp Genetics (formerly Invitae), Labcorp
Classification: Benign. Last evaluated: 2026-02-04. Review status: criteria provided, single submitter. Criteria: Invitae Variant Classification Sherloc (09022015). Collection method: clinical testing. Allele origin: germline.

Genome-Nilou Lab
Classification: Benign for Agammaglobulinemia 5, autosomal dominant. Last evaluated: 2021-08-19. Review status: criteria provided, single submitter. Criteria: ACMG Guidelines, 2015. Collection method: clinical testing. Allele origin: germline. Affected: no.

GeneDx
Classification: Benign. Last evaluated: 2018-11-12. Review status: criteria provided, single submitter. Criteria: GeneDx Variant Classification Process June 2021. Collection method: clinical testing. Allele origin: germline. Affected: yes.

Laboratory for Molecular Medicine, Mass General Brigham Personalized Medicine
Classification: Benign. Last evaluated: 2016-03-29. Review status: criteria provided, single submitter. Criteria: LMM Criteria. Collection method: clinical testing. Allele origin: germline.
Comment: Variant identified in a genome or exome case(s) and assessed due to predicted null impact of the variant or pathogenic assertions in the literature or databases. Disclaimer: This variant has not undergone full assessment. The following are preliminary notes: Frequency

Breakthrough Genomics
Classification: Benign. Review status: criteria provided, single submitter. Criteria: ACMG Guidelines, 2015. Collection method: not provided. Allele origin: germline. Inheritance: Autosomal dominant inheritance. Affected: yes.

NM_019594.4(LRRC8A):c.1014T>C (p.Tyr338=)

Gene: LRRC8A (leucine rich repeat containing 8 VRAC subunit A; plus strand). Cytogenetic location: 9q34.11.
Variant type: single nucleotide variant.
Coding change: c.1014T>C on transcript NM_019594.4 (MANE Select); coding-DNA position 1014, T replaced by C.
Protein change: p.Tyr338=; no amino-acid change (tyrosine 338 retained).
Molecular consequence: synonymous variant.
Genome position (GRCh38, 1-based): chr9:128,908,178, T>C. VCF-style: chr9-128908178-T-C. GRCh37 (hg19) VCF-style: chr9-131670457-T-C.
Other names: c.1014T>C, p.Tyr338= (NM_001127244.2, NM_001127245.2).
Identifiers: ClinVar variation 403060 (VCV000403060.18), dbSNP rs3750320, ClinGen allele CA5270818.